The following is an entry in ClinVar:

NM_000057.4(BLM):c.1722A>G (p.Leu574=)

Gene: BLM (BLM RecQ like helicase; plus strand). Cytogenetic location: 15q26.1.
Variant type: single nucleotide variant.
Coding change: c.1722A>G on transcript NM_000057.4 (MANE Select); coding-DNA position 1722, A replaced by G.
Protein change: p.Leu574=; no amino-acid change (leucine 574 retained).
Molecular consequence: synonymous variant.
Genome position (GRCh38, 1-based): chr15:90,761,095, A>G. VCF-style: chr15-90761095-A-G. GRCh37 (hg19) VCF-style: chr15-91304325-A-G.
Other names: p.L574L:TTA>TTG; p.Leu574=; c.1722A>G, p.Leu574= (NM_001287246.2, NM_001287247.2); c.597A>G, p.Leu199= (NM_001287248.2); c.1722A>G (LRG_20t1).
Identifiers: ClinVar variation 136511 (VCV000136511.45), dbSNP rs28385011, ClinGen allele CA203389.
Genomic context (GRCh38, chr15:90,761,095, plus strand): 5'-TAATTTTGACATAGATGACTTTGATGATGATGATGACTGGGAAGACATAATGCATAATTT[A>G]GCAGCCAGCAAATCTTCCACAGCTGCCTATCAACCCATCAAGGAAGGTCGGCCAATTAAA-3'
Protein context (NP_000048.1, residues 564-584): DDDWEDIMHN[Leu574=]AASKSSTAAY

ClinVar aggregate classification (germline): Benign/Likely benign. Review status: criteria provided, multiple submitters, no conflicts (2 of 4 stars). 17 submissions from 17 submitters: Benign (9); Likely benign (4). 4 of the submissions do not count toward it. Last evaluated 2026-02-04.

Conditions:
BLM-related disorder. Also called: BLM-related condition.
Hereditary cancer-predisposing syndrome. Also called: Tumor predisposition; Hereditary neoplastic syndrome; Neoplastic Syndromes, Hereditary; Hereditary Cancer Syndrome. Identifiers: Orphanet 140162, MedGen C0027672, MeSH D009386, MONDO:0015356.
Bloom syndrome (BLM). Also called: Bloom-Torre-Machacek syndrome. Identifiers: Orphanet 125, MedGen C0005859, MONDO:0008876, OMIM 210900.

Allele frequency attached by ClinVar (database versions not stated): TOPMed 0.00360; gnomAD 0.00379 and 0.00453; ESP Exome Variant Server 0.00408; gnomAD exomes 0.00629 and 0.00631; ExAC 0.00645; 1000 Genomes Project 30x 0.00750; 1000 Genomes Project 0.00759.
gnomAD v4.1: 9,450 of 1,550,562 alleles (0.61%); highest among the groups gnomAD compares: South Asian, 2.4%; 78 homozygotes.

Submissions (17):

Labcorp Genetics (formerly Invitae), Labcorp
Classification: Benign for Bloom syndrome. Last evaluated: 2026-02-04. Review status: criteria provided, single submitter. Criteria: Invitae Variant Classification Sherloc (09022015). Collection method: clinical testing. Allele origin: germline.

Quest Diagnostics Nichols Institute San Juan Capistrano
Classification: Benign. Last evaluated: 2025-05-16. Review status: criteria provided, single submitter. Criteria: Quest Diagnostics criteria. Collection method: clinical testing. Allele origin: unknown.

Mayo Clinic Laboratories, Mayo Clinic
Classification: Benign. Last evaluated: 2024-12-17. Review status: criteria provided, single submitter. Criteria: ACMG Guidelines, 2015. Collection method: clinical testing. Allele origin: germline. Observed: 2 variant alleles.
Comment: BS1, BS2, BP4, BP7

Blueprint Genetics
Classification: Likely benign. Last evaluated: 2024-11-27. Review status: criteria provided, single submitter. Criteria: ACMG Guidelines, 2015. Collection method: clinical testing. Allele origin: germline.

KCCC/NGS Laboratory, Kuwait Cancer Control Center
Classification: Benign for Bloom syndrome. Last evaluated: 2023-07-07. Review status: criteria provided, single submitter. Criteria: ACMG Guidelines, 2015. Collection method: clinical testing. Allele origin: germline. Affected: yes.

ARUP Laboratories, Molecular Genetics and Genomics, ARUP Laboratories
Classification: Benign for Bloom syndrome. Last evaluated: 2023-06-14. Review status: criteria provided, single submitter. Criteria: ARUP Molecular Germline Variant Investigation Process 2024. Collection method: clinical testing. Allele origin: germline.

Genome-Nilou Lab
Classification: Benign for Bloom syndrome. Last evaluated: 2021-07-01. Review status: criteria provided, single submitter. Criteria: ACMG Guidelines, 2015. Collection method: clinical testing. Allele origin: germline. Affected: no.

Illumina Laboratory Services, Illumina
Classification: Benign for Bloom syndrome. Last evaluated: 2018-01-13. Review status: criteria provided, single submitter. Criteria: ICSL Variant Classification Criteria 13 December 2019. Collection method: clinical testing. Allele origin: germline.
Comment: This variant was observed in the ICSL laboratory as part of a predisposition screen in an ostensibly healthy population. It had not been previously curated by ICSL or reported in the Human Gene Mutation Database (HGMD: prior to June 1st, 2018), and was therefore a candidate for classification through an automated scoring system. Utilizing variant allele frequency, disease prevalence and penetrance estimates, and inheritance mode, an automated score was calculated to assess if this variant is too frequent to cause the disease. Based on the score and internal cut-off values, a variant classified as benign is not then subjected to further curation. The score for this variant resulted in a classification of benign for this disease.

Women's Health and Genetics/Laboratory Corporation of America, LabCorp
Classification: Benign. Last evaluated: 2017-12-25. Review status: criteria provided, single submitter. Criteria: LabCorp Variant Classification Summary - May 2015. Collection method: clinical testing. Allele origin: germline.
Comment: Variant summary: The c.1722A>G (p.Leu574=) in BLM gene is a synonymous change that involves a non-conserved nucleotide. 3/5 programs in Alamut predict that this variant does not affect splicing, however no functional studies supporting this notion were published at the time of evaluation. The variant is present in control dataset of gnomAD at a frequency of 0.0062 (1384/223222 chrs tested, including 16 homozygotes), predominantly in individuals of South Asian descent (0.026; 475/18298 chrs). These frequencies exceed the estimated maximum allele frequency for a pathogenic allele in this gene (0.0035). The variant of interest has been reported as a polymorphism via published reports (German_2007), and is cited as Benign by a reputable databases/clinical laboratories. Taking together, the variant was classified as Benign.

Ambry Genetics
Classification: Likely benign for Hereditary cancer-predisposing syndrome. Last evaluated: 2016-09-29. Review status: criteria provided, single submitter. Criteria: Ambry Variant Classification Scheme 2023. Collection method: clinical testing. Allele origin: germline.

Eurofins Ntd Llc (ga)
Classification: Likely benign. Last evaluated: 2014-08-12. Review status: criteria provided, single submitter. Criteria: EGL Classification Definitions 2015. Collection method: clinical testing. Allele origin: germline. Observed: 2 variant alleles, 2 heterozygotes.

GeneDx
Classification: Benign. Last evaluated: 2013-10-04. Review status: criteria provided, single submitter. Criteria: GeneDx Variant Classification (06012015). Collection method: clinical testing. Allele origin: germline. Affected: yes.
Comment: This variant is considered likely benign or benign based on one or more of the following criteria: it is a conservative change, it occurs at a poorly conserved position in the protein, it is predicted to be benign by multiple in silico algorithms, and/or has population frequency not consistent with disease.

Breakthrough Genomics
Classification: Likely benign. Review status: criteria provided, single submitter. Criteria: ACMG Guidelines, 2015. Collection method: not provided. Allele origin: germline. Inheritance: Autosomal recessive inheritance. Affected: yes.

PreventionGenetics, part of Exact Sciences
Classification: Benign for BLM-related condition. Last evaluated: 2019-08-27. Review status: no assertion criteria provided. Collection method: clinical testing. Allele origin: germline. Not counted in ClinVar's aggregate classification.
Comment: This variant is classified as benign based on ACMG/AMP sequence variant interpretation guidelines (Richards et al. 2015 PMID: 25741868, with internal and published modifications).

Natera, Inc.
Classification: Benign for Bloom syndrome. Last evaluated: 2017-06-13. Review status: no assertion criteria provided. Collection method: clinical testing. Allele origin: germline. Not counted in ClinVar's aggregate classification.

Clinical Genetics DNA and cytogenetics Diagnostics Lab, Erasmus MC, Erasmus Medical Center
Classification: Likely benign. Review status: no assertion criteria provided. Collection method: clinical testing. Allele origin: germline. Affected: yes. Study: VKGL Data-share Consensus. Not counted in ClinVar's aggregate classification.

Genome Diagnostics Laboratory, Amsterdam University Medical Center
Classification: Benign. Review status: no assertion criteria provided. Collection method: clinical testing. Allele origin: germline. Affected: yes. Study: VKGL Data-share Consensus. Not counted in ClinVar's aggregate classification.

Literature cited by the submitters: PubMed 17407155 (cited by Quest Diagnostics Nichols Institute San Juan Capistrano and Women's Health and Genetics/Laboratory Corporation of America, LabCorp); PubMed 21815139 (cited by Quest Diagnostics Nichols Institute San Juan Capistrano); PubMed 23225144 (cited by Quest Diagnostics Nichols Institute San Juan Capistrano).